The following is an entry in ClinVar:

ClinVar aggregate classification (germline): Likely benign. Review status: criteria provided, multiple submitters, no conflicts (2 of 4 stars). 7 submissions from 7 submitters: Likely benign (7). Last evaluated 2026-02-01.

Conditions:
Connective tissue disorder. Also called: Connective tissue disease. Identifiers: MedGen C0009782, MONDO:0003900.
Oto-palato-digital syndrome, type II (OPD2). Also called: Otopalatodigital Syndrome Type 2 (FLNA-OPD2); FACIOPALATOOSSEOUS SYNDROME; OPD II SYNDROME; Otopalatodigital Syndrome, Type II. Identifiers: Orphanet 669, Orphanet 90652, MedGen C1844696, MONDO:0010571, OMIM 304120.
Heterotopia, periventricular, X-linked dominant (PVNH1). Also called: PERIVENTRICULAR NODULAR HETEROTOPIA 1; X-linked periventricular heterotopia; PERIVENTRICULAR NODULAR HETEROTOPIA 4; HETEROTOPIA, PERIVENTRICULAR, 1. Identifiers: Orphanet 2149, Orphanet 82004, MedGen C1848213, MONDO:0010233, OMIM 300049.
Frontometaphyseal dysplasia (FMD1). Identifiers: Orphanet 1826, MedGen C0265293, MONDO:0015942.
Melnick-Needles syndrome (MNS). Also called: Melnick-Needles Syndrome (FLNA-MNS); MELNICK-NEEDLES OSTEODYSPLASTY; OSTEODYSPLASTY OF MELNICK AND NEEDLES. Identifiers: Orphanet 2484, MedGen C0025237, MONDO:0010650, OMIM 309350.
Familial thoracic aortic aneurysm and aortic dissection (TAAD). Also called: Thoracic aortic aneurysms and dissections. Identifiers: Orphanet 91387, MedGen C4707243, MONDO:0019625.

Allele frequency attached by ClinVar (database versions not stated): ExAC 0.00002; gnomAD exomes 0.00002; TOPMed 0.00005; gnomAD 0.00006; ESP Exome Variant Server 0.00010.

Submissions (7):

Labcorp Genetics (formerly Invitae), Labcorp
Classification: Likely benign for Oto-palato-digital syndrome, type II; Heterotopia, periventricular, X-linked dominant; Frontometaphyseal dysplasia; Melnick-Needles syndrome. Last evaluated: 2026-02-01. Review status: criteria provided, single submitter. Criteria: Invitae Variant Classification Sherloc (09022015). Collection method: clinical testing. Allele origin: germline.

Mayo Clinic Laboratories, Mayo Clinic
Classification: Likely benign. Last evaluated: 2025-07-08. Review status: criteria provided, single submitter. Criteria: ACMG Guidelines, 2015. Collection method: clinical testing. Allele origin: germline. Observed: 2 variant alleles.
Comment: BP4, BP7

CeGaT Center for Human Genetics Tuebingen
Classification: Likely benign. Last evaluated: 2024-09-01. Review status: criteria provided, single submitter. Criteria: CeGaT Center For Human Genetics Tuebingen Variant Classification Criteria Version 2. Collection method: clinical testing. Allele origin: germline. Affected: yes. Observed: 1 variant allele.
Comment: FLNA: BP4, BP7, BS2

Blueprint Genetics
Classification: Likely benign. Last evaluated: 2020-06-03. Review status: criteria provided, single submitter. Criteria: ACMG Guidelines, 2015. Collection method: clinical testing. Allele origin: germline.

Ambry Genetics
Classification: Likely benign for Familial thoracic aortic aneurysm and aortic dissection. Last evaluated: 2019-10-20. Review status: criteria provided, single submitter. Criteria: Ambry Variant Classification Scheme 2023. Collection method: clinical testing. Allele origin: germline.

GeneDx
Classification: Likely benign. Last evaluated: 2017-07-12. Review status: criteria provided, single submitter. Criteria: GeneDx Variant Classification (06012015). Collection method: clinical testing. Allele origin: germline. Affected: yes.
Comment: This variant is considered likely benign or benign based on one or more of the following criteria: it is a conservative change, it occurs at a poorly conserved position in the protein, it is predicted to be benign by multiple in silico algorithms, and/or has population frequency not consistent with disease.

Center for Human Genetics, Inc
Classification: Likely benign for Connective tissue disorder. Last evaluated: 2016-11-01. Review status: criteria provided, single submitter. Criteria: ACMG Guidelines, 2015. Collection method: clinical testing. Allele origin: germline. Affected: yes.

NM_001110556.2(FLNA):c.5124C>T (p.Phe1708=)

Gene: FLNA (filamin A; minus strand). Cytogenetic location: Xq28.
Variant type: single nucleotide variant.
Coding change: c.5124C>T on transcript NM_001110556.2 (MANE Select); coding-DNA position 5124, C replaced by T.
Protein change: p.Phe1708=; no amino-acid change (phenylalanine 1708 retained).
Molecular consequence: synonymous variant.
Genome position (GRCh38, 1-based): chrX:154,354,918, G>A on the plus strand (C>T on the coding strand, the complement: FLNA is on the minus strand). VCF-style: chrX-154354918-G-A. GRCh37 (hg19) VCF-style: chrX-153583286-G-A.
Other names: p.Phe1700=; c.5100C>T, p.Phe1700= (NM_001456.4).
Identifiers: ClinVar variation 239021 (VCV000239021.29), dbSNP rs368399445, ClinGen allele CA10560386.